The following is an entry in ClinVar:

ClinVar aggregate classification (germline): Uncertain significance (1 of 4 stars; one submission).

Conditions:
Primary ciliary dyskinesia. Also called: Ciliary dyskinesia. Identifiers: Orphanet 244, MedGen C0008780, MONDO:0016575, HP:0012265.

Submission:

Labcorp Genetics (formerly Invitae), Labcorp
Classification: Uncertain significance for Primary ciliary dyskinesia. Last evaluated: 2024-02-24. Review status: criteria provided, single submitter. Criteria: Invitae Variant Classification Sherloc (09022015). Collection method: clinical testing. Allele origin: germline.
Comment: This sequence change replaces isoleucine, which is neutral and non-polar, with methionine, which is neutral and non-polar, at codon 253 of the DNAH5 protein (p.Ile253Met). This variant is not present in population databases (gnomAD no frequency). This variant has not been reported in the literature in individuals affected with DNAH5-related conditions. ClinVar contains an entry for this variant (Variation ID: 1940608). Advanced modeling of protein sequence and biophysical properties (such as structural, functional, and spatial information, amino acid conservation, physicochemical variation, residue mobility, and thermodynamic stability) performed at Invitae indicates that this missense variant is not expected to disrupt DNAH5 protein function with a negative predictive value of 95%. In summary, the available evidence is currently insufficient to determine the role of this variant in disease. Therefore, it has been classified as a Variant of Uncertain Significance.

NM_001369.3(DNAH5):c.759A>G (p.Ile253Met)

Gene: DNAH5 (dynein axonemal heavy chain 5; minus strand). Cytogenetic location: 5p15.2.
Variant type: single nucleotide variant.
Coding change: c.759A>G on transcript NM_001369.3 (MANE Select); coding-DNA position 759, A replaced by G.
Protein change: p.Ile253Met; replaces isoleucine 253 with methionine.
Molecular consequence: missense variant.
Genome position (GRCh38, 1-based): chr5:13,920,519, T>C on the plus strand (A>G on the coding strand, the complement: DNAH5 is on the minus strand). VCF-style: chr5-13920519-T-C. GRCh37 (hg19) VCF-style: chr5-13920628-T-C.
Other names: short protein forms I253M.
Identifiers: ClinVar variation 1940608 (VCV001940608.4), dbSNP rs1777139269, ClinGen allele CA359220410.